The following is an entry in ClinVar:

ClinVar aggregate classification (germline): Uncertain significance (1 of 4 stars; one submission).

Conditions:
Hereditary cancer-predisposing syndrome. Also called: Hereditary Cancer Syndrome; Neoplastic Syndromes, Hereditary; Tumor predisposition; Hereditary neoplastic syndrome. Identifiers: Orphanet 140162, MedGen C0027672, MeSH D009386, MONDO:0015356.

Submission:

Ambry Genetics
Classification: Uncertain significance for Hereditary cancer-predisposing syndrome. Last evaluated: 2026-07-01. Review status: criteria provided, single submitter. Criteria: Ambry Variant Classification Scheme 2023. Collection method: clinical testing. Allele origin: germline.
Comment: The c.3882_3883delGTinsTA variant (also known as p.K1294_W1295delinsNR), located in coding exon 26 of the ALK gene, results from an in-frame deletion of GT and insertion of TA at nucleotide positions 3882 to 3883. This results in an in-frame deletion of 2 residues (KW) and insertion of 2 new residues (NR) at codons 1294 and 1295. These amino acid positions are highly conserved in available vertebrate species. In addition, this variant is predicted to be deleterious by in silico analysis (Choi Y et al. PLoS ONE. 2012; 7(10):e46688). Based on the available evidence, the clinical significance of this variant remains unclear.

NM_004304.5(ALK):c.3882_3883delinsTA (p.Lys1294_Trp1295delinsAsnArg)

Gene: ALK (ALK receptor tyrosine kinase; minus strand). Cytogenetic location: 2p23.2.
Variant type: Indel.
Coding change: c.3882_3883delinsTA on transcript NM_004304.5 (MANE Select); coding-DNA positions 3882 to 3883, GT replaced by TA.
Protein change: p.Lys1294_Trp1295delinsAsnArg.
Molecular consequence: missense variant.
Genome position (GRCh38, 1-based): chr2:29,207,226-29,207,227, AC replaced by TA on the plus strand (GT replaced by TA on the coding strand, the reverse complement: ALK is on the minus strand). VCF-style: chr2-29207226-AC-TA. GRCh37 (hg19) VCF-style: chr2-29430092-AC-TA.
Other names: c.678_679delinsTA, p.Lys226_Trp227delinsAsnArg (NM_001353765.2).
Identifiers: ClinVar variation 5034942 (VCV005034942.1).